The following is an entry in ClinVar:

ClinVar aggregate classification (germline): Uncertain significance. Review status: criteria provided, multiple submitters, no conflicts (2 of 4 stars). 2 submissions from 2 submitters: Uncertain significance (2). Last evaluated 2023-10-05.

Allele frequency attached by ClinVar (database versions not stated): gnomAD exomes 0.00001; ExAC 0.00002; ESP Exome Variant Server 0.00008.
gnomAD v4.1: 18 of 1,614,150 alleles (0.0011%); highest among the groups gnomAD compares: East Asian, 0.0022%; no homozygotes.

Submissions (2):

Labcorp Genetics (formerly Invitae), Labcorp
Classification: Uncertain significance. Last evaluated: 2023-10-05. Review status: criteria provided, single submitter. Criteria: Invitae Variant Classification Sherloc (09022015). Collection method: clinical testing. Allele origin: germline.
Comment: This sequence change replaces proline, which is neutral and non-polar, with leucine, which is neutral and non-polar, at codon 461 of the BACH2 protein (p.Pro461Leu). This variant is present in population databases (rs144153232, gnomAD 0.006%). This variant has not been reported in the literature in individuals affected with BACH2-related conditions. ClinVar contains an entry for this variant (Variation ID: 2169830). Advanced modeling of protein sequence and biophysical properties (such as structural, functional, and spatial information, amino acid conservation, physicochemical variation, residue mobility, and thermodynamic stability) performed at Invitae indicates that this missense variant is not expected to disrupt BACH2 protein function. In summary, the available evidence is currently insufficient to determine the role of this variant in disease. Therefore, it has been classified as a Variant of Uncertain Significance.

Ambry Genetics
Classification: Uncertain significance. Last evaluated: 2023-07-05. Review status: criteria provided, single submitter. Criteria: Ambry Variant Classification Scheme 2023. Collection method: clinical testing. Allele origin: germline.

NM_021813.4(BACH2):c.1382C>T (p.Pro461Leu)

Gene: BACH2 (BACH transcriptional regulator 2; minus strand). Cytogenetic location: 6q15.
Variant type: single nucleotide variant.
Coding change: c.1382C>T on transcript NM_021813.4 (MANE Select); coding-DNA position 1382, C replaced by T.
Protein change: p.Pro461Leu; replaces proline 461 with leucine.
Molecular consequence: missense variant.
Genome position (GRCh38, 1-based): chr6:89,950,724, G>A on the plus strand (C>T on the coding strand, the complement: BACH2 is on the minus strand). VCF-style: chr6-89950724-G-A. GRCh37 (hg19) VCF-style: chr6-90660443-G-A.
Other names: c.1382C>T, p.Pro461Leu (NM_001170794.2); c.1382C>T (NM_021813.2); short protein forms P461L.
Identifiers: ClinVar variation 2169830 (VCV002169830.6), dbSNP rs144153232, ClinGen allele CA3927993.
Genomic context (GRCh38, chr6:89,950,724, plus strand): 5'-GAGTAGGCCTGCGAGCTGGGGAGGGACTGGCCGGCTCCCACCCACAGACCCTTTGGCACC[G>A]GCTCAGAGAGGTCTTTGTCCAAACTGCTCACCCCAGAATAAGAATGCACCGAGGTGCTCA-3'
Protein context (NP_068585.1, residues 451-471): VSSLDKDLSE[Pro461Leu]VPKGLWVGAG